The following is an entry in ClinVar:

NM_003482.4(KMT2D):c.8149C>T (p.Pro2717Ser)

Gene: KMT2D (lysine methyltransferase 2D; minus strand). Cytogenetic location: 12q13.12.
Variant type: single nucleotide variant.
Coding change: c.8149C>T on transcript NM_003482.4 (MANE Select); coding-DNA position 8149, C replaced by T.
Protein change: p.Pro2717Ser; replaces proline 2717 with serine.
Molecular consequence: missense variant.
Genome position (GRCh38, 1-based): chr12:49,039,515, G>A on the plus strand (C>T on the coding strand, the complement: KMT2D is on the minus strand). VCF-style: chr12-49039515-G-A. GRCh37 (hg19) VCF-style: chr12-49433298-G-A.
Other names: short protein forms P2717S.
Identifiers: ClinVar variation 716432 (VCV000716432.33), dbSNP rs201336660, ClinGen allele CA6546907.

ClinVar aggregate classification (germline): Benign/Likely benign. Review status: criteria provided, multiple submitters, no conflicts (2 of 4 stars). 7 submissions from 7 submitters: Benign (3); Likely benign (3). 1 of the submissions does not count toward it. Last evaluated 2026-06-01.

Conditions:
KMT2D-related disorder. Also called: KMT2D-Related Disorders.
Kabuki syndrome 1 (KABUK1). Also called: KMT2D-Related Kabuki Syndrome. Identifiers: Orphanet 2322, MedGen CN030661, MONDO:0007843, OMIM 147920.

Allele frequency attached by ClinVar (database versions not stated): gnomAD exomes 0.00014 and 0.00038; ExAC 0.00050; 1000 Genomes Project 0.00120; gnomAD 0.00148 and 0.00165; 1000 Genomes Project 30x 0.00156; TOPMed 0.00171.
gnomAD v4.1: 436 of 1,612,222 alleles (0.027%); highest among the groups gnomAD compares: African/African-American, 0.51%; no homozygotes.

Submissions (7):

CeGaT Center for Human Genetics Tuebingen
Classification: Likely benign. Last evaluated: 2026-06-01. Review status: criteria provided, single submitter. Criteria: CeGaT Center For Human Genetics Tuebingen Variant Classification Criteria Version 2. Collection method: clinical testing. Allele origin: germline. Affected: yes. Observed: 2 variant alleles.
Comment: KMT2D: BP4, BS1

Blueprint Genetics
Classification: Likely benign. Last evaluated: 2023-11-06. Review status: criteria provided, single submitter. Criteria: ACMG Guidelines, 2015. Collection method: clinical testing. Allele origin: germline.

Fulgent Genetics
Classification: Likely benign for Kabuki syndrome 1. Last evaluated: 2021-11-19. Review status: criteria provided, single submitter. Criteria: ACMG Guidelines, 2015. Collection method: clinical testing. Allele origin: unknown.

GeneDx
Classification: Benign. Last evaluated: 2020-03-25. Review status: criteria provided, single submitter. Criteria: GeneDx Variant Classification Process June 2021. Collection method: clinical testing. Allele origin: germline. Affected: yes.

Labcorp Genetics (formerly Invitae), Labcorp
Classification: Benign. Last evaluated: 2018-08-18. Review status: criteria provided, single submitter. Criteria: Invitae Variant Classification Sherloc (09022015). Collection method: clinical testing. Allele origin: germline.

Breakthrough Genomics
Classification: Benign. Review status: criteria provided, single submitter. Criteria: ACMG Guidelines, 2015. Collection method: not provided. Allele origin: germline. Inheritance: Autosomal dominant inheritance. Affected: yes.

PreventionGenetics, part of Exact Sciences
Classification: Benign for KMT2D-related condition. Last evaluated: 2019-09-16. Review status: no assertion criteria provided. Collection method: clinical testing. Allele origin: germline. Not counted in ClinVar's aggregate classification.
Comment: This variant is classified as benign based on ACMG/AMP sequence variant interpretation guidelines (Richards et al. 2015 PMID: 25741868, with internal and published modifications).